The following is an entry in ClinVar:

ClinVar aggregate classification (germline): Uncertain significance (1 of 4 stars; one submission).

Conditions:
Inborn genetic diseases. Identifiers: MedGen C0950123, MeSH D030342.
Microcephaly 3, primary, autosomal recessive. Identifiers: Orphanet 2512, MedGen C1858108, MONDO:0011488, OMIM 604804.

Allele frequency attached by ClinVar (database versions not stated): gnomAD 0.00003 and 0.00004; TOPMed 0.00003; gnomAD exomes 0.00006 and 0.00013; ExAC 0.00007; ESP Exome Variant Server 0.00015.
gnomAD v4.1: 184 of 1,614,032 alleles (0.011%); highest among the groups gnomAD compares: East Asian, 0.065%; no homozygotes.

Submission:

Ambry Genetics
Classification: Uncertain significance for Inborn genetic diseases. Last evaluated: 2024-03-01. Review status: criteria provided, single submitter. Criteria: Ambry Variant Classification Scheme 2023. Collection method: clinical testing. Allele origin: germline.

NM_018249.6(CDK5RAP2):c.1855G>A (p.Glu619Lys)

Gene: CDK5RAP2 (CDK5 regulatory subunit associated protein 2; minus strand). Cytogenetic location: 9q33.2.
Variant type: single nucleotide variant.
Coding change: c.1855G>A on transcript NM_018249.6 (MANE Select); coding-DNA position 1855, G replaced by A.
Protein change: p.Glu619Lys; replaces glutamic acid 619 with lysine.
Molecular consequence: missense variant. On other transcripts: non-coding transcript variant (5).
Genome position (GRCh38, 1-based): chr9:120,471,751, C>T on the plus strand (G>A on the coding strand, the complement: CDK5RAP2 is on the minus strand). VCF-style: chr9-120471751-C-T. GRCh37 (hg19) VCF-style: chr9-123234029-C-T.
Other names: c.1855G>A, p.Glu619Lys (NM_001011649.3, NM_001272039.2); c.1855G>A (NM_018249.4); short protein forms E619K.
Identifiers: ClinVar variation 1345026 (VCV001345026.3), dbSNP rs373775777, ClinGen allele CA5214260.